The following is an entry in ClinVar:

ClinVar aggregate classification (germline): Pathogenic (1 of 4 stars; one submission).

Submission:

Labcorp Genetics (formerly Invitae), Labcorp
Classification: Pathogenic. Last evaluated: 2023-10-13. Review status: criteria provided, single submitter. Criteria: Invitae Variant Classification Sherloc (09022015). Collection method: clinical testing. Allele origin: germline.
Comment: This sequence change creates a premature translational stop signal (p.Cys483*) in the TNFAIP3 gene. It is expected to result in an absent or disrupted protein product. Loss-of-function variants in TNFAIP3 are known to be pathogenic (PMID: 26642243). This variant is not present in population databases (gnomAD no frequency). This variant has not been reported in the literature in individuals affected with TNFAIP3-related conditions. For these reasons, this variant has been classified as Pathogenic.

Literature cited by the submitters: PubMed 26642243.

NM_001270508.2(TNFAIP3):c.1449C>A (p.Cys483Ter)

Gene: TNFAIP3 (TNF alpha induced protein 3; plus strand). Cytogenetic location: 6q23.3.
Variant type: single nucleotide variant.
Coding change: c.1449C>A on transcript NM_001270508.2 (MANE Select); coding-DNA position 1449, C replaced by A.
Protein change: p.Cys483Ter; replaces cysteine 483 with a stop codon.
Molecular consequence: nonsense.
Genome position (GRCh38, 1-based): chr6:137,878,894, C>A. VCF-style: chr6-137878894-C-A. GRCh37 (hg19) VCF-style: chr6-138200031-C-A.
Other names: c.1449C>A, p.Cys483Ter (NM_001270507.2, NM_006290.4); short protein forms C483*.
Identifiers: ClinVar variation 2837632 (VCV002837632.3), dbSNP rs2114501072, ClinGen allele CA365790667.